The following is an entry in ClinVar:

NM_001797.4(CDH11):c.778G>C (p.Asp260His)

Gene: CDH11 (cadherin 11; minus strand). Cytogenetic location: 16q21.
Variant type: single nucleotide variant.
Coding change: c.778G>C on transcript NM_001797.4 (MANE Select); coding-DNA position 778, G replaced by C.
Protein change: p.Asp260His; replaces aspartic acid 260 with histidine.
Molecular consequence: missense variant.
Genome position (GRCh38, 1-based): chr16:64,991,801, C>G on the plus strand (G>C on the coding strand, the complement: CDH11 is on the minus strand). VCF-style: chr16-64991801-C-G. GRCh37 (hg19) VCF-style: chr16-65025704-C-G.
Other names: c.778G>C, p.Asp260His (NM_001308392.2); c.400G>C, p.Asp134His (NM_001330576.2); short protein forms D134H, D260H.
Identifiers: ClinVar variation 2572369 (VCV002572369.1), dbSNP rs2142492118, ClinGen allele CA396522588.

ClinVar aggregate classification (germline): Likely pathogenic (1 of 4 stars; one submission).

Conditions:
Elsahy-Waters syndrome. Also called: Hypospadias, hypertelorism, upper lid coloboma, and mixed-type hearing loss; BSG SYNDROME. Identifiers: Orphanet 1299, Orphanet 157788, MedGen C0809936, MONDO:0008885, OMIM 211380.

Submission:

Greenwood Genetic Center Diagnostic Laboratories, Greenwood Genetic Center
Classification: Likely pathogenic for Elsahy-Waters syndrome. Last evaluated: 2023-04-25. Review status: criteria provided, single submitter. Criteria: ACMG Guidelines, 2015. Collection method: clinical testing. Allele origin: germline. Affected: yes.
Comment: PM2, PM5, PM1 PP3